The following is an entry in ClinVar:

ClinVar aggregate classification (germline): Likely pathogenic (1 of 4 stars; one submission).

Submission:

GeneDx
Classification: Likely pathogenic. Last evaluated: 2021-11-10. Review status: criteria provided, single submitter. Criteria: GeneDx Variant Classification Process June 2021. Collection method: clinical testing. Allele origin: germline. Affected: yes.
Comment: Frameshift variant predicted to result in protein truncation, as the last 53 amino acids are replaced with 22 different amino acids, and other loss-of-function variants have been reported downstream in the Human Gene Mutation Database (Stenson et al., 2014); Not observed at significant frequency in large population cohorts (Lek et al., 2016); This variant is associated with the following publications: (PMID: 29097605)

NM_005859.5(PURA):c.808_809del (p.Thr270fs)

Gene: PURA (purine rich element binding protein A; plus strand). Cytogenetic location: 5q31.3.
Variant type: Microsatellite.
Coding change: c.808_809del on transcript NM_005859.5 (MANE Select); coding-DNA positions 808 to 809, 2 bases deleted (AC; older notation c.808_809delAC).
Protein change: p.Thr270fs; shifts the reading frame from threonine 270.
Molecular consequence: frameshift variant.
Genome position (GRCh38, 1-based): chr5:140,114,989-140,114,990, AC deleted; deleting any 2 consecutive bases within chr5:140,114,985-140,114,990 gives the same sequence; the c. name uses the placement nearest the transcript's 3' end. VCF-style (leftmost placement, unchanged base first): chr5-140114984-GAC-G. GRCh37 (hg19) VCF-style: chr5-139494569-GAC-G.
Other names: c.808_809delAC (NM_005859.4); short protein forms T270fs.
Identifiers: ClinVar variation 280386 (VCV000280386.4), dbSNP rs886041600, ClinGen allele CA10602911.